The following is an entry in ClinVar:

ClinVar aggregate classification (germline): Likely pathogenic (0 of 4 stars; one submission).

Conditions:
Giant axonal neuropathy 1 (GAN1). Also called: GIANT AXONAL NEUROPATHY 1, AUTOSOMAL RECESSIVE; GAN-Related Neurodegeneration. Identifiers: Orphanet 643, MedGen C1850386, MONDO:0009749, OMIM 256850.

Submission:

Service de genetique medicale, Pr. Levy, Hopital de La Timone Enfants, APHM
Classification: Likely pathogenic for Giant axonal neuropathy 1. Last evaluated: 2018-11-07. Review status: no assertion criteria provided. Collection method: clinical testing. Allele origin: maternal. Inheritance: Autosomal recessive inheritance. Affected: yes. Observed: 1 compound heterozygote.
Comment: These variants (a SNV and a CNV) have been found with a targeted sequencing panel focusing on already reported gene associated with neuropathy and an arrayCGH. The SNV have been confirmed by PCR sequencing. No functional test have been performed. These variants are not currently reported in any public database.

NM_022041.4(GAN):c.890C>T (p.Pro297Leu)

Gene: GAN (gigaxonin; plus strand). Cytogenetic location: 16q23.2.
Variant type: single nucleotide variant.
Coding change: c.890C>T on transcript NM_022041.4 (MANE Select); coding-DNA position 890, C replaced by T.
Protein change: p.Pro297Leu; replaces proline 297 with leucine.
Molecular consequence: missense variant.
Genome position (GRCh38, 1-based): chr16:81,357,848, C>T. VCF-style: chr16-81357848-C-T. GRCh37 (hg19) VCF-style: chr16-81391453-C-T.
Other names: c.251C>T, p.Pro84Leu (NM_001377486.1); short protein forms P297L, P84L.
Identifiers: ClinVar variation 598941 (VCV000598941.3), dbSNP rs771785420, ClinGen allele CA396873230.
Genomic context (GRCh38, chr16:81,357,848, plus strand): 5'-GATCACTTATTTACTTCCTTAGTTCACGGAAACCCACAGCAGCGATGCGATGCATGTGCC[C>T]TCTCTATGACCCTAACAGGCAGCTTTGGATCGAACTGGCCCCTTTAAGCATGCCGAGAAT-3'
Protein context (NP_071324.1, residues 287-307): KPTAAMRCMC[Pro297Leu]LYDPNRQLWI